The following continues an entry in ClinVar:

NM_005912.2(MC4R):c.105C>A (p.Tyr35Ter)

Gene: MC4R. ClinVar aggregate classification (germline): Pathogenic. Pathogenic (19).

Submissions 13 to 25 of 25:

Institute of Medical Genetics and Applied Genomics, University Hospital Tübingen
Classification: Pathogenic. Last evaluated: 2020-10-23. Review status: criteria provided, single submitter. Criteria: ACMG Guidelines, 2015. Collection method: clinical testing. Allele origin: germline. Inheritance: Autosomal unknown. Affected: yes.

Victorian Clinical Genetics Services, Murdoch Childrens Research Institute
Classification: Pathogenic for Obesity due to melanocortin 4 receptor deficiency. Last evaluated: 2020-05-26. Review status: criteria provided, single submitter. Criteria: ACMG Guidelines, 2015. Collection method: clinical testing. Allele origin: germline. Affected: yes.
Comment: Based on the classification scheme VCGS_Germline_v1.1.1, this variant is classified as Pathogenic. Following criteria are met: 0102 - Loss-of-function is a known mechanism of disease for this gene. (N) 0108 - This gene is known to be associated with both recessive and dominant disease. Even though, inheritance is predominantly dominant, homozygotes have higher mean percentage body fat than heterozygotes (OMIM). (N) 0112 - Variants in this gene are known to have reduced penetrance (PMID: 29970488). (N) 0204 - Variant is predicted to result in a truncated protein with more than 1/3 of the protein affected (exon 1 of 1). (P) 0251 - Variant is heterozygous. (N) 0302 - Variant is present in gnomAD <0.001 for a dominant condition (21 heterozygotes, 0 homozygotes). (P) 0701 - Comparable variants have very strong previous evidence for pathogenicity. Other variants predicted to cause NMD have been reported as pathogenic in individuals with obesity (ClinVar, Decipher). (P) 0801 - Strong previous evidence of pathogenicity in unrelated individuals. This variant is one of the most common MC4R variants reported in patients with obesity, usually seen in cis with p.(Asp37Val) due to a founder effect in Europeans, mostly Danish and German (ClinVar, PMID: 15486053, PMID: 12970296, PMID: 12970296). (P) 1002 - Moderate functional evidence supporting abnormal protein function. Studies show that this variant showed no binding to the analog of the endogenous agonist, impairing significantly protein function (PMID: 15486053, PMID: 12851297). (P) 1208 - Inheritance information for this variant is not currently available. (N) Legend: (P) - Pathogenic, (N) - Neutral, (B) - Benign

Broad Center for Mendelian Genomics, Broad Institute of MIT and Harvard
Classification: Pathogenic for Obesity. Last evaluated: 2020-01-22. Review status: criteria provided, single submitter. Criteria: ACMG Guidelines, 2015. Collection method: curation. Allele origin: germline. Inheritance: Autosomal dominant inheritance.
Comment: The p.Tyr35Ter variant in MC4R has been reported in at least 46 individuals (including 9 Danish, 5 German, 3 Dutch, and 1 Norweigan individuals) with Obesity (PMID: 10199800, 19301229, 15486053, 12970296, 16507637, 20966905, 10577903, 18801902, 18559663, 19091795), and has been identified in 0.01549% (20/129114) of European (non-Finnish) chromosomes by the Genome Aggregation Database (gnomAD; dbSNP rs13447324). This variant was also reported in a non-obese and non-overweight individual (PMID: 10577903). Although this variant has been seen in the general population, its frequency is low enough to be consistent with a carrier frequency. Please note that for diseases with clinical variability, or reduced penetrance, pathogenic variants may be present at a low frequency in the general population. This variant has also been reported pathogenic in ClinVar, and is often reported in cis with the p.Asp37Val variant (Variation ID: 14318). In vitro functional studies provide some evidence that the p.Tyr35Ter variant may eliminate receptor activity and cell membrane expression (PMID: 16507637, 20966905). However, these types of assays may not accurately represent biological function. This nonsense variant leads to a premature termination codon at position 35. This alteration occurs within the last exon and is more likely to escape nonsense mediated decay (NMD) and result in a truncated protein without regions important to function. Heterozygous loss of function of the MC4R gene is an established disease mechanism in Obesity. In summary, this variant meets criteria to be classified as pathogenic for Obesity in an autosomal dominant manner based on the predicted impact of the variant and multiple occurrences in individuals with Obesity. ACMG/AMP Criteria applied: PVS1_Strong, PS4, PS3, PM2_Supporting (Richards 2015).

Laboratory for Molecular Medicine, Mass General Brigham Personalized Medicine
Classification: Pathogenic for Obesity due to melanocortin 4 receptor deficiency. Last evaluated: 2018-09-19. Review status: criteria provided, single submitter. Criteria: ACMG Guidelines, 2015. Collection method: clinical testing. Allele origin: germline. Inheritance: Autosomal dominant inheritance.
Comment: The p.Tyr35X variant in MC4R has been reported in >15 individuals with obesity and segregated with disease in at least 8 relatives (Hinney 1999, Sina 1999, Hinney 2003, Larsen 2005, Lubrano-Berthelier 2006, Stutzmann 2008, Wangensteen 2009, Calton 2009, van den Berg 2011). The Tyr35X variant has been identified in 20/126634 of European chromosomes by the Genome Aggregation Database (gnomAD; dbSNP rs13447324). This variant leads to a premature termination codon at position 35, which is predicted to lead to a truncated or absent protein. Please note, this variant is commonly seen in cis (on same allele) with p.Asp37Val, which would not be translated since it is downstream of the premature stop codon. In vitro expression of the p.Tyr35X-MC4R protein demonstrated absent cell surface expression, ligand binding, and cAMP response (Larsen 2005, Xiang 2006, Lubrano-Berthelier 2006, Brumm 2012). Haploinsufficiency of the MC4R gene is an established disease mechanism in MC4R-related obesity. In summary, this variant meets criteria to be classified as pathogenic for MC4R-related obesity in an autosomal dominant. ACMG/AMP Criteria applied: PVS1_Strong, PS4, PS3, PP1_Strong.

Eurofins Ntd Llc (ga)
Classification: Pathogenic. Last evaluated: 2018-08-14. Review status: criteria provided, single submitter. Criteria: EGL ClinVar v180209 classification definitions. Collection method: clinical testing. Allele origin: germline. Observed: 1 variant allele, 1 heterozygote.

Illumina Laboratory Services, Illumina
Classification: Pathogenic for Inherited obesity. Last evaluated: 2017-04-27. Review status: criteria provided, single submitter. Criteria: ICSL Variant Classification Criteria 09 May 2019. Collection method: clinical testing. Allele origin: germline.
Comment: The MC4R c.105C>A (p.Tyr35Ter) stop-gained variant has been identified in a heterozygous state in at least 38 individuals with obesity. In almost all of these reports, the variant was found in cis with another variant, p.Asp37Val (Hinney et al. 1999; Hinney et al. 2003; Farooqi et al. 2003; Stutzmann et al. 2008; Tan et al. 2009; Calton et al. 2009; Larsen et al. 2009; van den Berg et al. 2011). The p.Tyr35Ter variant was absent from over 4,000 controls and is reported at a frequency of 0.00009 in the European (non-Finnish) population of the Exome Aggregation Consortium. Lubrano-Berthelier et al. (2006) demonstrated a complete lack of membrane expression of the p.Tyr35Ter variant protein as well as a significantly impaired basal receptor activity and reduced response to a receptor agonist, both to less than 10% of wildtype. It has been shown that the C-terminal tail of the receptor contains a signal for cell surface expression, hence any truncation of the protein upstream of this signal as is predicted for the p.Tyr35Ter variant would result in intracellular retention of the variant receptor (MacKenzie, 2006). Based on the collective evidence and the potential impact of stop-gained variants, the p.Tyr35Ter variant is classified as pathogenic for obesity. This variant was observed by ICSL as part of a predisposition screen in an ostensibly healthy population.

Women's Health and Genetics/Laboratory Corporation of America, LabCorp
Classification: Pathogenic for Early Onset Obesity. Last evaluated: 2011-08-18. Review status: criteria provided, single submitter. Criteria: LabCorp Variant Classification Summary - May 2015. Collection method: curation, clinical testing. Allele origin: germline. Inheritance: autosomal dominant. Affected: yes. Observed: 24 variant alleles.
ClinVar note: Converted during submission from pathogenic to Pathogenic.

Clinical Genetics Laboratory, University Hospital Schleswig-Holstein
Classification: Pathogenic for BODY MASS INDEX QUANTITATIVE TRAIT LOCUS 20. Last evaluated: 2024-08-27. Review status: no assertion criteria provided. Collection method: clinical testing. Allele origin: germline. Affected: yes. Not counted in ClinVar's aggregate classification.

UCL Genetics Institute, UCL
Classification: Uncertain significance for Schizophrenia. Last evaluated: 2014-12-23. Review status: no assertion criteria provided. Collection method: case-control. Allele origin: germline. Affected: yes. Study: UK10K. Not counted in ClinVar's aggregate classification.
Comment: In UK10K, seen in 0/982 subjects with severe childhood onset obesity against 1/1392 subjects with schizophrenia

Clinical Molecular Genetics Laboratory, Johns Hopkins All Children's Hospital
Classification: Pathogenic for Obesity. Last evaluated: 2013-11-06. Review status: no assertion criteria provided. Collection method: clinical testing. Allele origin: germline. Affected: yes. Not counted in ClinVar's aggregate classification.

Clinical Genetics, Academic Medical Center
Classification: Pathogenic. Review status: no assertion criteria provided. Collection method: clinical testing. Allele origin: germline. Affected: yes. Study: VKGL Data-share Consensus. Not counted in ClinVar's aggregate classification.

Diagnostic Laboratory, Department of Genetics, University Medical Center Groningen
Classification: Pathogenic for Inherited obesity. Review status: no assertion criteria provided. Collection method: clinical testing. Allele origin: germline. Affected: yes. Study: VKGL Data-share Consensus. Not counted in ClinVar's aggregate classification.

Genome Diagnostics Laboratory, University Medical Center Utrecht
Classification: Pathogenic. Review status: no assertion criteria provided. Collection method: clinical testing. Allele origin: germline. Affected: yes. Study: VKGL Data-share Consensus. Not counted in ClinVar's aggregate classification.

Literature cited by the submitters: PubMed 12970296 (cited by 6 submitters); PubMed 15486053 (cited by 6 submitters); PubMed 16507637 (cited by 6 submitters); PubMed 10199800 (cited by 5 submitters); PubMed 29970488 (cited by 3 submitters); PubMed 16752916 (cited by Labcorp Genetics (formerly Invitae), Labcorp and Women's Health and Genetics/Laboratory Corporation of America, LabCorp); PubMed 10903341 (cited by Labcorp Genetics (formerly Invitae), Labcorp); PubMed 12690102 (cited by Labcorp Genetics (formerly Invitae), Labcorp); PubMed 18559663 (cited by 4 submitters); PubMed 12851297 (cited by Victorian Clinical Genetics Services, Murdoch Childrens Research Institute and Women's Health and Genetics/Laboratory Corporation of America, LabCorp); PubMed 19301229 (cited by 3 submitters); PubMed 18801902 (cited by 3 submitters); PubMed 10577903 (cited by 3 submitters); PubMed 20966905 (cited by 3 submitters); PubMed 19091795 (cited by Broad Center for Mendelian Genomics, Broad Institute of MIT and Harvard and Illumina Laboratory Services, Illumina); PubMed 29273807 (cited by Eurofins Ntd Llc (ga)); PubMed 12646665 (cited by Illumina Laboratory Services, Illumina and Women's Health and Genetics/Laboratory Corporation of America, LabCorp); PubMed 16274851 (cited by Illumina Laboratory Services, Illumina and Women's Health and Genetics/Laboratory Corporation of America, LabCorp); PubMed 12499395 (cited by Women's Health and Genetics/Laboratory Corporation of America, LabCorp); PubMed 16616374 (cited by Women's Health and Genetics/Laboratory Corporation of America, LabCorp).